The following is an entry in ClinVar:

ClinVar aggregate classification (germline): Pathogenic. Review status: criteria provided, multiple submitters, no conflicts (2 of 4 stars). 3 submissions from 3 submitters: Pathogenic (3). Last evaluated 2025-10-28.

Conditions:
Amyloidosis, hereditary systemic 1 (AMYLD1). Also called: Transthyretin Amyloidosis; AMYLOID CARDIOMYOPATHY; Familial amyloid polyneuropathy; Hereditary Transthyretin Amyloidosis; Isolated Cardiac Amyloidosis; Amyloid Cardiomyopathy, Transthyretin-related. Identifiers: Orphanet 85447, Orphanet 85451, MedGen C2751492, MONDO:0971004, OMIM 105210.
Cardiovascular phenotype. Identifiers: MedGen CN230736.

Submissions (3):

Labcorp Genetics (formerly Invitae), Labcorp
Classification: Pathogenic for Amyloidosis, hereditary systemic 1. Last evaluated: 2025-10-28. Review status: criteria provided, single submitter. Criteria: Invitae Variant Classification Sherloc (09022015). Collection method: clinical testing. Allele origin: germline.
Comment: This sequence change replaces serine, which is neutral and polar, with proline, which is neutral and non-polar, at codon 72 of the TTR protein (p.Ser72Pro). This variant is not present in population databases (gnomAD no frequency). This missense change has been observed in individuals with familial transthyretin amyloidosis (PMID: 24053266). This variant is also known as Ser52Pro. ClinVar contains an entry for this variant (Variation ID: 1178327). Invitae Evidence Modeling of protein sequence and biophysical properties (such as structural, functional, and spatial information, amino acid conservation, physicochemical variation, residue mobility, and thermodynamic stability) indicates that this missense variant is expected to disrupt TTR protein function with a positive predictive value of 95%. Experimental studies have shown that this missense change affects TTR function (PMID: 24474780). For these reasons, this variant has been classified as Pathogenic.

Ambry Genetics
Classification: Pathogenic for Cardiovascular phenotype. Last evaluated: 2025-06-27. Review status: criteria provided, single submitter. Criteria: Ambry Variant Classification Scheme 2023. Collection method: clinical testing. Allele origin: germline.
Comment: The p.S72P pathogenic mutation (also known as c.214T>C), located in coding exon 3 of the TTR gene, results from a T to C substitution at nucleotide position 214. The serine at codon 72 is replaced by proline, an amino acid with similar properties. This mutation was identified in multiple individuals with TTR amyloidosis, including multiple individuals in one family (Saraiva MJ. Hum. Mutat., 1995;5:191-6; Gonz&aacute;lez-Duarte A et al. Amyloid, 2013 Dec;20:221-5). In addition, this alteration is predicted to be deleterious by in silico analysis. This variant is considered to be rare based on population cohorts in the Genome Aggregation Database (gnomAD). Based on the supporting evidence, this variant is interpreted as a disease-causing mutation.

Rajaie Cardiovascular, Medical and Research Center, Iran University of Medical Sciences
Classification: Pathogenic for Amyloidosis, hereditary systemic 1. Review status: criteria provided, single submitter. Criteria: ACMG Guidelines, 2015. Collection method: research. Allele origin: somatic. Inheritance: Autosomal dominant inheritance. Affected: yes. Observed: 1 variant allele, 1 heterozygote.
Comment: The TTR gene encodes the transthyretin which is an evolutionarily conserved serum and cerebrospinal fluid (CSF) protein that transports holo-retinol-binding protein and thyroxine. Mutations in this gene cause Amyloidosis, hereditary, transthyretin-related(OMIM: 105210) with autosomal dominant inheritance. Based on ACMG classification, c.T214C variant is Pathogenic.

Literature cited by the submitters: PubMed 24053266 (cited by Labcorp Genetics (formerly Invitae), Labcorp and Ambry Genetics); PubMed 24474780 (cited by Labcorp Genetics (formerly Invitae), Labcorp); PubMed 26243339 (cited by Ambry Genetics); PubMed 26894299 (cited by Ambry Genetics); PubMed 7599630 (cited by Ambry Genetics).

NM_000371.4(TTR):c.214T>C (p.Ser72Pro)

Gene: TTR (transthyretin; plus strand). Cytogenetic location: 18q12.1.
Variant type: single nucleotide variant.
Coding change: c.214T>C on transcript NM_000371.4 (MANE Select); coding-DNA position 214, T replaced by C.
Protein change: p.Ser72Pro; replaces serine 72 with proline.
Molecular consequence: missense variant.
Genome position (GRCh38, 1-based): chr18:31,595,133, T>C. VCF-style: chr18-31595133-T-C. GRCh37 (hg19) VCF-style: chr18-29175096-T-C.
Other names: c.214T>C (NM_000371.3); short protein forms S72P.
Identifiers: ClinVar variation 1178327 (VCV001178327.6), dbSNP rs2144409444, ClinGen allele CA402156916.